The following is an entry in ClinVar:

ClinVar aggregate classification (germline): Uncertain significance (1 of 4 stars; one submission).

Allele frequency attached by ClinVar (database versions not stated): ExAC 0.00007; gnomAD exomes 0.00010; gnomAD 0.00011 and 0.00012; TOPMed 0.00013; 1000 Genomes Project 30x 0.00016; 1000 Genomes Project 0.00020.
gnomAD v4.1: 278 of 1,614,136 alleles (0.017%); highest among the groups gnomAD compares: Non-Finnish European, 0.022%; no homozygotes.

Submission:

Labcorp Genetics (formerly Invitae), Labcorp
Classification: Uncertain significance. Last evaluated: 2022-06-05. Review status: criteria provided, single submitter. Criteria: Invitae Variant Classification Sherloc (09022015). Collection method: clinical testing. Allele origin: germline.
Comment: This sequence change replaces glycine, which is neutral and non-polar, with arginine, which is basic and polar, at codon 249 of the QRSL1 protein (p.Gly249Arg). This variant is present in population databases (rs201592456, gnomAD 0.02%). This variant has not been reported in the literature in individuals affected with QRSL1-related conditions. ClinVar contains an entry for this variant (Variation ID: 1481404). Algorithms developed to predict the effect of missense changes on protein structure and function are either unavailable or do not agree on the potential impact of this missense change (SIFT: "Tolerated"; PolyPhen-2: "Probably Damaging"; Align-GVGD: "Class C0"). In summary, the available evidence is currently insufficient to determine the role of this variant in disease. Therefore, it has been classified as a Variant of Uncertain Significance.

NM_018292.5(QRSL1):c.745G>A (p.Gly249Arg)

Gene: QRSL1 (glutaminyl-tRNA amidotransferase subunit QRSL1; plus strand). Cytogenetic location: 6q21.
Variant type: single nucleotide variant.
Coding change: c.745G>A on transcript NM_018292.5 (MANE Select); coding-DNA position 745, G replaced by A.
Protein change: p.Gly249Arg; replaces glycine 249 with arginine.
Molecular consequence: missense variant.
Genome position (GRCh38, 1-based): chr6:106,652,478, G>A. VCF-style: chr6-106652478-G-A. GRCh37 (hg19) VCF-style: chr6-107100353-G-A.
Other names: short protein forms G249R.
Identifiers: ClinVar variation 1481404 (VCV001481404.5), dbSNP rs201592456, ClinGen allele CA3944845.